The following is an entry in ClinVar:

ClinVar aggregate classification (germline): Uncertain significance (1 of 4 stars; one submission).

Conditions:
Hereditary cancer-predisposing syndrome. Also called: Tumor predisposition; Hereditary neoplastic syndrome; Neoplastic Syndromes, Hereditary; Hereditary Cancer Syndrome. Identifiers: Orphanet 140162, MedGen C0027672, MeSH D009386, MONDO:0015356.

Submission:

Ambry Genetics
Classification: Uncertain significance for Hereditary cancer-predisposing syndrome. Last evaluated: 2025-05-08. Review status: criteria provided, single submitter. Criteria: Ambry Variant Classification Scheme 2023. Collection method: clinical testing. Allele origin: germline.
Comment: The p.G151R variant (also known as c.451G>C), located in coding exon 3 of the CHEK2 gene, results from a G to C substitution at nucleotide position 451. The glycine at codon 151 is replaced by arginine, an amino acid with dissimilar properties. This amino acid position is highly conserved in available vertebrate species. In addition, this alteration is predicted to be deleterious by in silico analysis. Based on the available evidence, the clinical significance of this variant remains unclear.

NM_007194.4(CHEK2):c.451G>C (p.Gly151Arg)

Gene: CHEK2 (checkpoint kinase 2; minus strand). Cytogenetic location: 22q12.1.
Variant type: single nucleotide variant.
Coding change: c.451G>C on transcript NM_007194.4 (MANE Select); coding-DNA position 451, G replaced by C.
Protein change: p.Gly151Arg; replaces glycine 151 with arginine.
Molecular consequence: missense variant. On other transcripts: 5 prime UTR variant (2), intron variant (1).
Genome position (GRCh38, 1-based): chr22:28,725,118, C>G on the plus strand (G>C on the coding strand, the complement: CHEK2 is on the minus strand). VCF-style: chr22-28725118-C-G. GRCh37 (hg19) VCF-style: chr22-29121106-C-G.
Other names: c.580G>C, p.Gly194Arg (NM_001005735.3, NM_001438294.1); c.-327G>C (NM_001257387.3); c.-213G>C (NM_001437942.1); c.544G>C, p.Gly182Arg (NM_001438293.1, NM_001438295.1); c.451G>C, p.Gly151Arg (NM_145862.3); c.444+125G>C (NM_001349956.3); short protein forms G151R, G194R, G182R.
Identifiers: ClinVar variation 4002257 (VCV004002257.1).
Genomic context (GRCh38, chr22:28,725,118, plus strand): 5'-TTACAAAGGTTCCATTGCCACTGTGATCTTCTATGTATGCAATGTAAGAGTTTTTAGGAC[C>G]CACTTCCTAAAATAGAGAACATTTTGTTTCAGACTTTGAATAGCAGAGATTTATAGTGGG-3'
Protein context (NP_009125.1, residues 141-161): KKHFRIFREV[Gly151Arg]PKNSYIAYIE